The following is an entry in ClinVar:

NM_001430.5(EPAS1):c.455-9C>T

Genes: EPAS1 (endothelial PAS domain protein 1; plus strand), LOC126806210 (BRD4-independent group 4 enhancer GRCh37_chr2:46587586-46588785; plus strand). Cytogenetic location: 2p21.
Variant type: single nucleotide variant.
Coding change: c.455-9C>T on transcript NM_001430.5 (MANE Select); 9 bases into the intron before coding-DNA position 455, C replaced by T.
Molecular consequence: intron variant.
Genome position (GRCh38, 1-based): chr2:46,360,629, C>T. VCF-style: chr2-46360629-C-T. GRCh37 (hg19) VCF-style: chr2-46587768-C-T.
Other names: c.455-9C>T (NM_001430.4).
Identifiers: ClinVar variation 2896407 (VCV002896407.5), dbSNP rs141537861, ClinGen allele CA1644656.

ClinVar aggregate classification (germline): Likely benign. Review status: criteria provided, single submitter (1 of 4 stars). 2 submissions from 2 submitters: Likely benign (1). 1 of the submissions does not count toward it. Last evaluated 2024-06-16.

Conditions:
EPAS1-related disorder. Also called: EPAS1-related condition.

Allele frequency attached by ClinVar (database versions not stated): gnomAD exomes 0.00002; ExAC 0.00006; TOPMed 0.00019; gnomAD 0.00023; 1000 Genomes Project 30x 0.00031; ESP Exome Variant Server 0.00031; 1000 Genomes Project 0.00040.

Submissions (2):

Labcorp Genetics (formerly Invitae), Labcorp
Classification: Likely benign. Last evaluated: 2024-06-16. Review status: criteria provided, single submitter. Criteria: Invitae Variant Classification Sherloc (09022015). Collection method: clinical testing. Allele origin: germline.

PreventionGenetics, part of Exact Sciences
Classification: Likely benign for EPAS1-related condition. Last evaluated: 2019-07-13. Review status: no assertion criteria provided. Collection method: clinical testing. Allele origin: germline. Not counted in ClinVar's aggregate classification.
Comment: This variant is classified as likely benign based on ACMG/AMP sequence variant interpretation guidelines (Richards et al. 2015 PMID: 25741868, with internal and published modifications).